The following is an entry in ClinVar:

ClinVar aggregate classification (germline): Benign/Likely benign. Review status: criteria provided, multiple submitters, no conflicts (2 of 4 stars). 11 submissions from 11 submitters: Benign (7); Likely benign (3). 1 of the submissions does not count toward it. Last evaluated 2026-07-01.

Conditions:
MYH11-related disorder. Also called: MYH11-related condition.
Familial thoracic aortic aneurysm and aortic dissection (TAAD). Also called: Thoracic aortic aneurysms and dissections. Identifiers: Orphanet 91387, MedGen C4707243, MONDO:0019625.
Aortic aneurysm, familial thoracic 4 (AAT4). Also called: AORTIC ANEURYSM/AORTIC DISSECTION AND PATENT DUCTUS ARTERIOSUS. Identifiers: MedGen C1851504, MONDO:0007568, OMIM 132900.

Allele frequency attached by ClinVar (database versions not stated): gnomAD 0.00001 and 0.00033; TOPMed 0.00006; gnomAD exomes 0.00058 and 0.00159; 1000 Genomes Project 0.00240; 1000 Genomes Project 30x 0.00250; ExAC 0.00350.
gnomAD v4.1: 884 of 1,555,058 alleles (0.057%); highest among the groups gnomAD compares: South Asian, 0.94%; 11 homozygotes.

Submissions (11):

CeGaT Center for Human Genetics Tuebingen
Classification: Likely benign. Last evaluated: 2026-07-01. Review status: criteria provided, single submitter. Criteria: CeGaT Center For Human Genetics Tuebingen Variant Classification Criteria Version 2. Collection method: clinical testing. Allele origin: germline. Affected: yes. Observed: 1 variant allele.
Comment: MYH11: BP4

Ambry Genetics
Classification: Benign for Familial thoracic aortic aneurysm and aortic dissection. Last evaluated: 2025-11-17. Review status: criteria provided, single submitter. Criteria: Ambry Variant Classification Scheme 2023. Collection method: clinical testing. Allele origin: germline.

Labcorp Genetics (formerly Invitae), Labcorp
Classification: Benign for Aortic aneurysm, familial thoracic 4. Last evaluated: 2025-11-01. Review status: criteria provided, single submitter. Criteria: Invitae Variant Classification Sherloc (09022015). Collection method: clinical testing. Allele origin: germline.

Blueprint Genetics
Classification: Likely benign. Last evaluated: 2024-11-22. Review status: criteria provided, single submitter. Criteria: ACMG Guidelines, 2015. Collection method: clinical testing. Allele origin: germline.

Women's Health and Genetics/Laboratory Corporation of America, LabCorp
Classification: Benign. Last evaluated: 2021-04-26. Review status: criteria provided, single submitter. Criteria: LabCorp Variant Classification Summary - May 2015. Collection method: clinical testing. Allele origin: germline.
Comment: Variant summary: MYH11 c.5193-5C>T alters a non-conserved nucleotide located close to a canonical splice site and therefore could affect mRNA splicing, leading to a significantly altered protein sequence. 4/4 computational tools predict no significant impact on normal splicing. However, these predictions have yet to be confirmed by functional studies. The variant allele was found at a frequency of 0.0016 in 167578 control chromosomes, predominantly at a frequency of 0.01 within the South Asian subpopulation in the gnomAD database, including 5 homozygotes. The observed variant frequency within South Asian control individuals in the gnomAD database is approximately 800 fold of the estimated maximal expected allele frequency for a pathogenic variant in MYH11 causing Thoracic Aortic Aneurysms And Dissections phenotype (1.3e-05), strongly suggesting that the variant is a benign polymorphism found primarily in populations of South Asian origin. To our knowledge, no occurrence of c.5193-5C>T in individuals affected with Thoracic Aortic Aneurysms and Dissections and no experimental evidence demonstrating its impact on protein function have been reported. Five ClinVar submitters (evaluation after 2014) cite the variant as benign/likely benign. Based on the evidence outlined above, the variant was classified as benign.

CHEO Genetics Diagnostic Laboratory, Children's Hospital of Eastern Ontario
Classification: Benign for Familial thoracic aortic aneurysm and aortic dissection. Last evaluated: 2019-07-19. Review status: criteria provided, single submitter. Criteria: ACMG Guidelines, 2015. Collection method: clinical testing. Allele origin: germline.

Color Diagnostics, LLC DBA Color Health
Classification: Benign for Familial thoracic aortic aneurysm and aortic dissection. Last evaluated: 2018-03-09. Review status: criteria provided, single submitter. Criteria: ACMG Guidelines, 2015. Collection method: clinical testing. Allele origin: germline.

Illumina Laboratory Services, Illumina
Classification: Likely benign for Aortic aneurysm, familial thoracic 4. Last evaluated: 2018-01-13. Review status: criteria provided, single submitter. Criteria: ICSL Variant Classification Criteria 13 December 2019. Collection method: clinical testing. Allele origin: germline.
Comment: This variant was observed in the ICSL laboratory as part of a predisposition screen in an ostensibly healthy population. It had not been previously curated by ICSL or reported in the Human Gene Mutation Database (HGMD: prior to June 1st, 2018), and was therefore a candidate for classification through an automated scoring system. Utilizing variant allele frequency, disease prevalence and penetrance estimates, and inheritance mode, an automated score was calculated to assess if this variant is too frequent to cause the disease. Based on the score and internal cut-off values, a variant classified as likely benign is not then subjected to further curation. The score for this variant resulted in a classification of likely benign for this disease.

GeneDx
Classification: Benign. Last evaluated: 2017-07-06. Review status: criteria provided, single submitter. Criteria: GeneDx Variant Classification (06012015). Collection method: clinical testing. Allele origin: germline. Affected: yes.
Comment: This variant is considered likely benign or benign based on one or more of the following criteria: it is a conservative change, it occurs at a poorly conserved position in the protein, it is predicted to be benign by multiple in silico algorithms, and/or has population frequency not consistent with disease.

Laboratory for Molecular Medicine, Mass General Brigham Personalized Medicine
Classification: Benign. Last evaluated: 2015-06-04. Review status: criteria provided, single submitter. Criteria: LMM Criteria. Collection method: clinical testing. Allele origin: germline. Observed: 1 variant allele.
Comment: c.5193-5C>T in intron 37 of MYH11: This variant is not expected to have clinical significance because it has been identified in 1.1% (111/10012) of South Asian chromosomes including 2 homozygotes by the Exome Aggregation Consortium (ExAC; dbSNP rs574893374).

PreventionGenetics, part of Exact Sciences
Classification: Benign for MYH11-related condition. Last evaluated: 2019-12-10. Review status: no assertion criteria provided. Collection method: clinical testing. Allele origin: germline. Not counted in ClinVar's aggregate classification.
Comment: This variant is classified as benign based on ACMG/AMP sequence variant interpretation guidelines (Richards et al. 2015 PMID: 25741868, with internal and published modifications).

NM_002474.3(MYH11):c.5172-5C>T

Genes: MYH11 (myosin heavy chain 11; minus strand), NDE1 (nudE neurodevelopment protein 1; plus strand). Cytogenetic location: 16p13.11.
Variant type: single nucleotide variant.
Coding change: c.5172-5C>T on transcript NM_002474.3 (MANE Select); 5 bases into the intron before coding-DNA position 5172, C replaced by T.
Molecular consequence: intron variant.
Genome position (GRCh38, 1-based): chr16:15,718,443, G>A on the plus strand (C>T on the coding strand, the complement: MYH11 is on the minus strand). VCF-style: chr16-15718443-G-A. GRCh37 (hg19) VCF-style: chr16-15812300-G-A.
Other names: c.948-5748G>A (NM_001143979.2, NM_017668.3); c.5172-5C>T (NM_022844.3); c.5193-5C>T (NM_001040114.2, NM_001040113.2).
Identifiers: ClinVar variation 226744 (VCV000226744.27), dbSNP rs574893374, ClinGen allele CA7921373.